The following is an entry in ClinVar:

NM_000540.3(RYR1):c.9932A>T (p.His3311Leu)

Gene: RYR1 (ryanodine receptor 1; plus strand). Cytogenetic location: 19q13.2.
Variant type: single nucleotide variant.
Coding change: c.9932A>T on transcript NM_000540.3 (MANE Select); coding-DNA position 9932, A replaced by T.
Protein change: p.His3311Leu; replaces histidine 3311 with leucine.
Molecular consequence: missense variant.
Genome position (GRCh38, 1-based): chr19:38,517,605, A>T. VCF-style: chr19-38517605-A-T. GRCh37 (hg19) VCF-style: chr19-39008245-A-T.
Other names: c.9932A>T, p.His3311Leu (NM_001042723.2); short protein forms H3311L.
Identifiers: ClinVar variation 3385517 (VCV003385517.1).

ClinVar aggregate classification (germline): Uncertain significance (1 of 4 stars; one submission).

Conditions:
Malignant hyperthermia, susceptibility to, 1 (MHS1). Also called: Anesthesia related hyperthermia; Malignant hyperpyrexia; Fulminating hyperpyrexia; Pharmacogenic myopathy; Malignant hyperthermia suceptibility 1; RYR1-Related Malignant Hyperthermia Susceptibility. Identifiers: Orphanet 423, MedGen C2930980, MONDO:0007783, OMIM 145600.

Submission:

All of Us Research Program, National Institutes of Health
Classification: Uncertain significance for Malignant hyperthermia, susceptibility to, 1. Last evaluated: 2024-05-09. Review status: criteria provided, single submitter. Criteria: ACMG Guidelines, 2015. Collection method: clinical testing. Allele origin: germline. Inheritance: Autosomal dominant inheritance. Observed: 1 variant allele, 1 heterozygote.
Comment: This study involves interpretation of variants in research participants for the purpose of population health screening. Participant phenotype was not available at the time of variant classification. Additional details can be found in publication PMID: 35346344, PMCID: PMC8962531